The following is an entry in ClinVar:

ClinVar aggregate classification (germline): Uncertain significance (1 of 4 stars; one submission).

Allele frequency attached by ClinVar (database versions not stated): gnomAD exomes below 0.00001.
gnomAD v4.1: 2 of 1,613,148 alleles (0.00012%); highest among the groups gnomAD compares: South Asian, 0.0011%; no homozygotes.

Submission:

GeneDx
Classification: Uncertain significance. Last evaluated: 2022-05-25. Review status: criteria provided, single submitter. Criteria: GeneDx Variant Classification Process June 2021. Collection method: clinical testing. Allele origin: germline. Affected: yes.
Comment: Not observed at significant frequency in large population cohorts (gnomAD); In silico analysis supports that this missense variant has a deleterious effect on protein structure/function; Has not been previously published as pathogenic or benign to our knowledge

NM_002430.3(MN1):c.3674C>T (p.Ala1225Val)

Gene: MN1 (MN1 proto-oncogene, transcriptional regulator; minus strand). Cytogenetic location: 22q12.1.
Variant type: single nucleotide variant.
Coding change: c.3674C>T on transcript NM_002430.3 (MANE Select); coding-DNA position 3674, C replaced by T.
Protein change: p.Ala1225Val; replaces alanine 1225 with valine.
Molecular consequence: missense variant.
Genome position (GRCh38, 1-based): chr22:27,796,870, G>A on the plus strand (C>T on the coding strand, the complement: MN1 is on the minus strand). VCF-style: chr22-27796870-G-A. GRCh37 (hg19) VCF-style: chr22-28192858-G-A.
Other names: short protein forms A1225V.
Identifiers: ClinVar variation 1801098 (VCV001801098.1), dbSNP rs2517769858, ClinGen allele CA411041756.
Genomic context (GRCh38, chr22:27,796,870, plus strand): 5'-AACGTCTTGTCGTCGTCCGCGCTGTCCACCAGGGCCTTGTCAGCGGGCATGTACCAGGCA[G>A]CGCTGTGCTCTGCCATCAGCGAGTCCAGGTCAATGGTGCTCATGGCGCTCTTGACCGCCT-3'
Protein context (NP_002421.3, residues 1215-1235): DLDSLMAEHS[Ala1225Val]AWYMPADKAL